The following is an entry in ClinVar:

ClinVar aggregate classification (germline): Benign/Likely benign. Review status: criteria provided, multiple submitters, no conflicts (2 of 4 stars). 5 submissions from 5 submitters: Benign (1); Likely benign (4). Last evaluated 2026-03-01.

Conditions:
Joubert syndrome. Also called: JOUBERT-BOLTSHAUSER SYNDROME; Familial aplasia of the vermis. Identifiers: Orphanet 475, MedGen C5979921, MONDO:0018772.
Meckel-Gruber syndrome. Also called: DYSENCEPHALIA SPLANCHNOCYSTICA; GRUBER SYNDROME; Dysencephalia splachnocystica. Identifiers: Orphanet 564, MedGen C0265215, MONDO:0018921.

Allele frequency attached by ClinVar (database versions not stated): gnomAD exomes 0.00019 and 0.00044; ExAC 0.00053; 1000 Genomes Project 0.00060; 1000 Genomes Project 30x 0.00078; gnomAD 0.00157 and 0.00165; ESP Exome Variant Server 0.00161; TOPMed 0.00192.
gnomAD v4.1: 523 of 1,614,180 alleles (0.032%); highest among the groups gnomAD compares: African/African-American, 0.59%; 2 homozygotes.

Submissions (5):

CeGaT Center for Human Genetics Tuebingen
Classification: Likely benign. Last evaluated: 2026-03-01. Review status: criteria provided, single submitter. Criteria: CeGaT Center For Human Genetics Tuebingen Variant Classification Criteria Version 2. Collection method: clinical testing. Allele origin: germline. Affected: yes. Observed: 1 variant allele.
Comment: TCTN2: BP4, BP7

Labcorp Genetics (formerly Invitae), Labcorp
Classification: Benign for Joubert syndrome; Meckel-Gruber syndrome. Last evaluated: 2026-01-31. Review status: criteria provided, single submitter. Criteria: Invitae Variant Classification Sherloc (09022015). Collection method: clinical testing. Allele origin: germline.

Blueprint Genetics
Classification: Likely benign. Last evaluated: 2024-06-28. Review status: criteria provided, single submitter. Criteria: ACMG Guidelines, 2015. Collection method: clinical testing. Allele origin: germline.

GeneDx
Classification: Likely benign. Last evaluated: 2020-12-10. Review status: criteria provided, single submitter. Criteria: GeneDx Variant Classification Process June 2021. Collection method: clinical testing. Allele origin: germline. Affected: yes.

PreventionGenetics, part of Exact Sciences
Classification: Likely benign. Review status: criteria provided, single submitter. Criteria: ACMG Guidelines, 2015. Collection method: clinical testing. Allele origin: germline.

NM_024809.5(TCTN2):c.360C>G (p.Leu120=)

Gene: TCTN2 (tectonic family member 2; plus strand). Cytogenetic location: 12q24.31.
Variant type: single nucleotide variant.
Coding change: c.360C>G on transcript NM_024809.5 (MANE Select); coding-DNA position 360, C replaced by G.
Protein change: p.Leu120=; no amino-acid change (leucine 120 retained).
Molecular consequence: synonymous variant.
Genome position (GRCh38, 1-based): chr12:123,673,707, C>G. VCF-style: chr12-123673707-C-G. GRCh37 (hg19) VCF-style: chr12-124158254-C-G.
Other names: c.357C>G, p.Leu119= (NM_001143850.3).
Identifiers: ClinVar variation 261789 (VCV000261789.20), dbSNP rs142452647, ClinGen allele CA6860880.
Genomic context (GRCh38, chr12:123,673,707, plus strand): 5'-AGGTCTGGACTGGTGTTCCTCCAATGAGACAGATTCCTTCTCAGAGTCCCCCTGTATCCT[C>G]CAGACCCTTCTGGTTTCAGCATCTCATAATTCATCCTGTTCAGCACATCTACTCATTCAA-3'
Protein context (NP_079085.2, residues 110-130): TDSFSESPCI[Leu120=]QTLLVSASHN